The following is an entry in ClinVar:

NM_004304.5(ALK):c.4627C>A (p.Pro1543Thr)

Gene: ALK (ALK receptor tyrosine kinase; minus strand). Cytogenetic location: 2p23.2.
Variant type: single nucleotide variant.
Coding change: c.4627C>A on transcript NM_004304.5 (MANE Select); coding-DNA position 4627, C replaced by A.
Protein change: p.Pro1543Thr; replaces proline 1543 with threonine.
Molecular consequence: missense variant.
Genome position (GRCh38, 1-based): chr2:29,193,460, G>T on the plus strand (C>A on the coding strand, the complement: ALK is on the minus strand). VCF-style: chr2-29193460-G-T. GRCh37 (hg19) VCF-style: chr2-29416326-G-T.
Other names: c.1423C>A, p.Pro475Thr (NM_001353765.2); short protein forms P1543T, P475T.
Identifiers: ClinVar variation 643302 (VCV000643302.10), dbSNP rs771622065, ClinGen allele CA346460570.

ClinVar aggregate classification (germline): Uncertain significance (1 of 4 stars; one submission).

Conditions:
Neuroblastoma, susceptibility to, 3. Also called: ALK-Related Neuroblastic Tumor Susceptibility. Identifiers: Orphanet 635, MedGen C2751681, MONDO:0013083, OMIM 613014.

gnomAD v4.1: 1 of 1,614,166 alleles (0.000062%); highest among the groups gnomAD compares: Non-Finnish European, 0.000085%; no homozygotes.

Submission:

Labcorp Genetics (formerly Invitae), Labcorp
Classification: Uncertain significance for Neuroblastoma, susceptibility to, 3. Last evaluated: 2019-02-25. Review status: criteria provided, single submitter. Criteria: Invitae Variant Classification Sherloc (09022015). Collection method: clinical testing. Allele origin: germline.
Comment: In summary, the available evidence is currently insufficient to determine the role of this variant in disease. Therefore, it has been classified as a Variant of Uncertain Significance. Algorithms developed to predict the effect of missense changes on protein structure and function (SIFT, PolyPhen-2, Align-GVGD) all suggest that this variant is likely to be tolerated, but these predictions have not been confirmed by published functional studies and their clinical significance is uncertain. This variant has not been reported in the literature in individuals with ALK-related disease. This variant is not present in population databases (ExAC no frequency). This sequence change replaces proline with threonine at codon 1543 of the ALK protein (p.Pro1543Thr). The proline residue is moderately conserved and there is a small physicochemical difference between proline and threonine.